The following is an entry in ClinVar:

NM_000089.4(COL1A2):c.2319T>A (p.Pro773=)

Gene: COL1A2 (collagen type I alpha 2 chain; plus strand). Cytogenetic location: 7q21.3.
Variant type: single nucleotide variant.
Coding change: c.2319T>A on transcript NM_000089.4 (MANE Select); coding-DNA position 2319, T replaced by A.
Protein change: p.Pro773=; no amino-acid change (proline 773 retained).
Molecular consequence: synonymous variant.
Genome position (GRCh38, 1-based): chr7:94,421,032, T>A. VCF-style: chr7-94421032-T-A. GRCh37 (hg19) VCF-style: chr7-94050344-T-A.
Other names: p.Pro773=.
Identifiers: ClinVar variation 4683292 (VCV004683292.2).

ClinVar aggregate classification (germline): Likely benign. Review status: criteria provided, multiple submitters, no conflicts (2 of 4 stars). 2 submissions from 2 submitters: Likely benign (2). Last evaluated 2025-10-10.

Conditions:
Ehlers-Danlos syndrome, classic type, 1 (EDSCL1). Also called: EHLERS-DANLOS SYNDROME, GRAVIS TYPE; EHLERS-DANLOS SYNDROME, SEVERE CLASSIC TYPE; Ehlers-Danlos syndrome, type 1; Ehlers-Danlos Syndrome, Classic Type, COL5A1-Related; EDS I. Identifiers: MedGen C0268335, MONDO:0019567, OMIM 130000.
Osteogenesis imperfecta type I (OI1). Also called: OI, TYPE I; OSTEOGENESIS IMPERFECTA TARDA; OSTEOGENESIS IMPERFECTA WITH BLUE SCLERAE; Osteogenesis imperfecta type 1; Lobstein's Disease; Lobstein disease. Identifiers: Orphanet 216796, Orphanet 666, MedGen C0023931, MONDO:0008146, OMIM 166200. Disease mechanism: loss of function.

gnomAD v4.1: 2 of 1,614,226 alleles (0.00012%); highest among the groups gnomAD compares: Non-Finnish European, 0.00017%; no homozygotes.

Submissions (2):

Mayo Clinic Laboratories, Mayo Clinic
Classification: Likely benign. Last evaluated: 2025-10-10. Review status: criteria provided, single submitter. Criteria: ACMG Guidelines, 2015. Collection method: clinical testing. Allele origin: germline. Observed: 1 variant allele.
Comment: BP4, BP7, PM2_supporting

Labcorp Genetics (formerly Invitae), Labcorp
Classification: Likely benign for Osteogenesis imperfecta type I; Ehlers-Danlos syndrome, classic type, 1. Last evaluated: 2025-09-16. Review status: criteria provided, single submitter. Criteria: Invitae Variant Classification Sherloc (09022015). Collection method: clinical testing. Allele origin: germline.